The following is an entry in ClinVar:

ClinVar aggregate classification (germline): Uncertain significance (1 of 4 stars; one submission).

Submission:

GeneDx
Classification: Uncertain significance. Last evaluated: 2024-02-29. Review status: criteria provided, single submitter. Criteria: GeneDx Variant Classification Process June 2021. Collection method: clinical testing. Allele origin: germline. Affected: yes.
Comment: Not observed at significant frequency in large population cohorts (gnomAD); Has not been previously published as pathogenic or benign to our knowledge; In silico analysis suggests this variant may impact gene splicing. In the absence of RNA/functional studies, the actual effect of this sequence change is unknown.

NM_002474.3(MYH11):c.4578+3A>T

Genes: MYH11 (myosin heavy chain 11; minus strand), NDE1 (nudE neurodevelopment protein 1; plus strand). Cytogenetic location: 16p13.11.
Variant type: single nucleotide variant.
Coding change: c.4578+3A>T on transcript NM_002474.3 (MANE Select); 3 bases into the intron after coding-DNA position 4578, A replaced by T.
Molecular consequence: intron variant.
Genome position (GRCh38, 1-based): chr16:15,721,419, T>A on the plus strand (A>T on the coding strand, the complement: MYH11 is on the minus strand). VCF-style: chr16-15721419-T-A. GRCh37 (hg19) VCF-style: chr16-15815276-T-A.
Other names: c.948-2772T>A (NM_001143979.2, NM_017668.3); c.4578+3A>T (NM_022844.3); c.4599+3A>T (NM_001040114.2, NM_001040113.2).
Identifiers: ClinVar variation 3373550 (VCV003373550.1).